The following is an entry in ClinVar:

ClinVar aggregate classification (germline): Conflicting classifications of pathogenicity. Review status: criteria provided, conflicting classifications (1 of 4 stars). 2 submissions from 2 submitters: Likely pathogenic (1); Uncertain significance (1). Last evaluated 2024-08-30.

Conditions:
PDE6C-related disorder. Also called: PDE6C-related condition.

Submissions (2):

Blueprint Genetics
Classification: Likely pathogenic for PDE6C-related disorders. Last evaluated: 2024-08-30. Review status: criteria provided, single submitter. Criteria: ACMG Guidelines, 2015. Collection method: clinical testing. Allele origin: germline. Affected: yes. Observed: 2 variant alleles.

Labcorp Genetics (formerly Invitae), Labcorp
Classification: Uncertain significance. Last evaluated: 2024-03-07. Review status: criteria provided, single submitter. Criteria: Invitae Variant Classification Sherloc (09022015). Collection method: clinical testing. Allele origin: germline.
Comment: This sequence change replaces proline, which is neutral and non-polar, with alanine, which is neutral and non-polar, at codon 499 of the PDE6C protein (p.Pro499Ala). This variant is not present in population databases (gnomAD no frequency). This variant has not been reported in the literature in individuals affected with PDE6C-related conditions. Advanced modeling of protein sequence and biophysical properties (such as structural, functional, and spatial information, amino acid conservation, physicochemical variation, residue mobility, and thermodynamic stability) performed at Invitae indicates that this missense variant is not expected to disrupt PDE6C protein function with a negative predictive value of 80%. In summary, the available evidence is currently insufficient to determine the role of this variant in disease. Therefore, it has been classified as a Variant of Uncertain Significance.

NM_006204.4(PDE6C):c.1495C>G (p.Pro499Ala)

Gene: PDE6C (phosphodiesterase 6C; plus strand). Cytogenetic location: 10q23.33.
Variant type: single nucleotide variant.
Coding change: c.1495C>G on transcript NM_006204.4 (MANE Select); coding-DNA position 1495, C replaced by G.
Protein change: p.Pro499Ala; replaces proline 499 with alanine.
Molecular consequence: missense variant.
Genome position (GRCh38, 1-based): chr10:93,640,082, C>G. VCF-style: chr10-93640082-C-G. GRCh37 (hg19) VCF-style: chr10-95399839-C-G.
Other names: short protein forms P499A.
Identifiers: ClinVar variation 3693612 (VCV003693612.3).